The following is an entry in ClinVar:

ClinVar aggregate classification (germline): Uncertain significance (1 of 4 stars; one submission).

Conditions:
Cardiovascular phenotype. Identifiers: MedGen CN230736.

Allele frequency attached by ClinVar (database versions not stated): gnomAD 0.00001; TOPMed 0.00001.
gnomAD v4.1: 1 of 1,612,918 alleles (0.000062%); highest among the groups gnomAD compares: African/African-American, 0.0013%; no homozygotes.

Submission:

Ambry Genetics
Classification: Uncertain significance for Cardiovascular phenotype. Last evaluated: 2021-06-17. Review status: criteria provided, single submitter. Criteria: Ambry Variant Classification Scheme 2023. Collection method: clinical testing. Allele origin: germline.
Comment: The p.S3780N variant (also known as c.11339G>A), located in coding exon 16 of the ALMS1 gene, results from a G to A substitution at nucleotide position 11339. The serine at codon 3780 is replaced by asparagine, an amino acid with highly similar properties. This amino acid position is highly conserved in available vertebrate species. In addition, this alteration is predicted to be tolerated by in silico analysis. Since supporting evidence is limited at this time, the clinical significance of this alteration remains unclear.

NM_001378454.1(ALMS1):c.11336G>A (p.Ser3779Asn)

Gene: ALMS1 (ALMS1 centrosome and basal body associated protein; plus strand). Cytogenetic location: 2p13.1.
Variant type: single nucleotide variant.
Coding change: c.11336G>A on transcript NM_001378454.1 (MANE Select); coding-DNA position 11336, G replaced by A.
Protein change: p.Ser3779Asn; replaces serine 3779 with asparagine.
Molecular consequence: missense variant.
Genome position (GRCh38, 1-based): chr2:73,573,213, G>A. VCF-style: chr2-73573213-G-A. GRCh37 (hg19) VCF-style: chr2-73800340-G-A.
Other names: c.11339G>A, p.Ser3780Asn (NM_015120.4); short protein forms S3779N, S3780N.
Identifiers: ClinVar variation 1728936 (VCV001728936.2), dbSNP rs1674981958, ClinGen allele CA347289134.